The following is an entry in ClinVar:

ClinVar aggregate classification (germline): Likely benign (0 of 4 stars; one submission).

Conditions:
NCAPD3-related disorder. Also called: NCAPD3-related condition.

Allele frequency attached by ClinVar (database versions not stated): gnomAD 0.00003; gnomAD exomes 0.00004; TOPMed 0.00005; ExAC 0.00006; ESP Exome Variant Server 0.00031.
gnomAD v4.1: 60 of 1,614,036 alleles (0.0037%); highest among the groups gnomAD compares: African/African-American, 0.017%; no homozygotes.

Submission:

PreventionGenetics, part of Exact Sciences
Classification: Likely benign for NCAPD3-related condition. Last evaluated: 2019-06-17. Review status: no assertion criteria provided. Collection method: clinical testing. Allele origin: germline.
Comment: This variant is classified as likely benign based on ACMG/AMP sequence variant interpretation guidelines (Richards et al. 2015 PMID: 25741868, with internal and published modifications).

NM_015261.3(NCAPD3):c.3315G>A (p.Glu1105=)

Gene: NCAPD3 (non-SMC condensin II complex subunit D3; minus strand). Cytogenetic location: 11q25.
Variant type: single nucleotide variant.
Coding change: c.3315G>A on transcript NM_015261.3 (MANE Select); coding-DNA position 3315, G replaced by A.
Protein change: p.Glu1105=; no amino-acid change (glutamic acid 1105 retained).
Molecular consequence: synonymous variant.
Genome position (GRCh38, 1-based): chr11:134,168,527, C>T on the plus strand (G>A on the coding strand, the complement: NCAPD3 is on the minus strand). VCF-style: chr11-134168527-C-T. GRCh37 (hg19) VCF-style: chr11-134038422-C-T.
Other names: c.3315G>A, p.Glu1105= (NM_001372065.1, NM_001372068.1); c.2901G>A, p.Glu967= (NM_001372069.1, NM_001372070.1).
Identifiers: ClinVar variation 3033096 (VCV003033096.2), dbSNP rs145474083, ClinGen allele CA6370924.